The following is an entry in ClinVar:

ClinVar aggregate classification (germline): Uncertain significance. Review status: criteria provided, multiple submitters, no conflicts (2 of 4 stars). 2 submissions from 2 submitters: Uncertain significance (2). Last evaluated 2026-01-16.

Conditions:
Inborn genetic diseases. Identifiers: MedGen C0950123, MeSH D030342.

Allele frequency attached by ClinVar (database versions not stated): 1000 Genomes Project 30x 0.00078; 1000 Genomes Project 0.00080; TOPMed 0.00034.
gnomAD v4.1: 59 of 1,602,806 alleles (0.0037%); highest among the groups gnomAD compares: Admixed American, 0.054%; no homozygotes.

Submissions (2):

GeneDx
Classification: Uncertain significance. Last evaluated: 2026-01-16. Review status: criteria provided, single submitter. Criteria: GeneDx Variant Classification Process June 2021. Collection method: clinical testing. Allele origin: germline. Affected: yes.
Comment: In silico analysis supports that this missense variant has a deleterious effect on protein structure/function; This variant is associated with the following publications: (PMID: 34234053)

Ambry Genetics
Classification: Uncertain significance for Inborn genetic diseases. Last evaluated: 2021-08-02. Review status: criteria provided, single submitter. Criteria: Ambry Variant Classification Scheme 2023. Collection method: clinical testing. Allele origin: germline.

NM_003235.5(TG):c.3196C>T (p.Arg1066Cys)

Gene: TG (thyroglobulin; plus strand). Cytogenetic location: 8q24.22.
Variant type: single nucleotide variant.
Coding change: c.3196C>T on transcript NM_003235.5 (MANE Select); coding-DNA position 3196, C replaced by T.
Protein change: p.Arg1066Cys; replaces arginine 1066 with cysteine.
Molecular consequence: missense variant.
Genome position (GRCh38, 1-based): chr8:132,898,225, C>T. VCF-style: chr8-132898225-C-T. GRCh37 (hg19) VCF-style: chr8-133910470-C-T.
Other names: short protein forms R1066C.
Identifiers: ClinVar variation 1809910 (VCV001809910.5), dbSNP rs200122163, ClinGen allele CA4883654.
Genomic context (GRCh38, chr8:132,898,225, plus strand): 5'-CCAGGGCACTGCTGGTGTGTAGATGAGAAAGGAGGGTTCATCCCTGGCTCACTGACTGCC[C>T]GCTCTCTGCAGATTCCACAGTGTAAGTGAAGACTGCAGAGTTCTCCTCCTGACCCCCCTT-3'
Protein context (NP_003226.4, residues 1056-1076): GGFIPGSLTA[Arg1066Cys]SLQIPQCPTT